The following is an entry in ClinVar:

ClinVar aggregate classification (germline): Uncertain significance (1 of 4 stars; one submission).

Submission:

GeneDx
Classification: Uncertain significance. Last evaluated: 2023-02-27. Review status: criteria provided, single submitter. Criteria: GeneDx Variant Classification Process June 2021. Collection method: clinical testing. Allele origin: germline. Affected: yes.
Comment: Has not been previously published as pathogenic or benign to our knowledge; Not observed at significant frequency in large population cohorts (gnomAD); In silico analysis supports that this variant does not alter splicing

NM_017617.5(NOTCH1):c.1806C>A (p.Thr602=)

Gene: NOTCH1 (notch receptor 1; minus strand). Cytogenetic location: 9q34.3.
Variant type: single nucleotide variant.
Coding change: c.1806C>A on transcript NM_017617.5 (MANE Select); coding-DNA position 1806, C replaced by A.
Protein change: p.Thr602=; no amino-acid change (threonine 602 retained).
Molecular consequence: synonymous variant.
Genome position (GRCh38, 1-based): chr9:136,515,580, G>T on the plus strand (C>A on the coding strand, the complement: NOTCH1 is on the minus strand). VCF-style: chr9-136515580-G-T. GRCh37 (hg19) VCF-style: chr9-139410032-G-T.
Identifiers: ClinVar variation 2577575 (VCV002577575.1), dbSNP rs2133363752, ClinGen allele CA467833604.